The following is an entry in ClinVar:

ClinVar aggregate classification (germline): Likely pathogenic (1 of 4 stars; one submission).

Submission:

GeneDx
Classification: Likely pathogenic. Last evaluated: 2024-07-06. Review status: criteria provided, single submitter. Criteria: GeneDx Variant Classification Process June 2021. Collection method: clinical testing. Allele origin: germline. Affected: yes.
Comment: Not observed at significant frequency in large population cohorts (gnomAD); In silico analysis supports that this missense variant has a deleterious effect on protein structure/function; This variant is associated with the following publications: (PMID: 23169582)

NM_001159699.2(FHL1):c.497G>C (p.Cys166Ser)

Gene: FHL1 (four and a half LIM domains 1; plus strand). Cytogenetic location: Xq26.3.
Variant type: single nucleotide variant.
Coding change: c.497G>C on transcript NM_001159699.2 (MANE Select); coding-DNA position 497, G replaced by C.
Protein change: p.Cys166Ser; replaces cysteine 166 with serine.
Molecular consequence: missense variant. On other transcripts: non-coding transcript variant (1).
Genome position (GRCh38, 1-based): chrX:136,207,909, G>C. VCF-style: chrX-136207909-G-C. GRCh37 (hg19) VCF-style: chrX-135290068-G-C.
Other names: c.449G>C, p.Cys150Ser (NM_001159700.2, NM_001159702.3, NM_001159703.2 and 9 more transcripts); c.536G>C, p.Cys179Ser (NM_001159701.2); c.497G>C, p.Cys166Ser (NM_001330659.2); short protein forms C150S, C166S, C179S.
Identifiers: ClinVar variation 3393531 (VCV003393531.1).